The following is an entry in ClinVar:

ClinVar aggregate classification (germline): Likely benign (0 of 4 stars; one submission).

Conditions:
RPS6KA3-related disorder. Also called: RPS6KA3-related condition.

Submission:

PreventionGenetics, part of Exact Sciences
Classification: Likely benign for RPS6KA3-related condition. Last evaluated: 2023-04-21. Review status: no assertion criteria provided. Collection method: clinical testing. Allele origin: germline.
Comment: This variant is classified as likely benign based on ACMG/AMP sequence variant interpretation guidelines (Richards et al. 2015 PMID: 25741868, with internal and published modifications).

NM_004586.3(RPS6KA3):c.1311G>A (p.Lys437=)

Gene: RPS6KA3 (ribosomal protein S6 kinase A3; minus strand). Cytogenetic location: Xp22.12.
Variant type: single nucleotide variant.
Coding change: c.1311G>A on transcript NM_004586.3 (MANE Select); coding-DNA position 1311, G replaced by A.
Protein change: p.Lys437=; no amino-acid change (lysine 437 retained).
Molecular consequence: synonymous variant.
Genome position (GRCh38, 1-based): chrX:20,172,788, C>T on the plus strand (G>A on the coding strand, the complement: RPS6KA3 is on the minus strand). VCF-style: chrX-20172788-C-T. GRCh37 (hg19) VCF-style: chrX-20190906-C-T.
Identifiers: ClinVar variation 3356753 (VCV003356753.1).